The following is an entry in ClinVar:

ClinVar aggregate classification (germline): Uncertain significance (1 of 4 stars; one submission).

Conditions:
Pyruvate dehydrogenase E1-alpha deficiency (PDHAD). Also called: ATAXIA, INTERMITTENT, WITH PYRUVATE DEHYDROGENASE DEFICIENCY; ATAXIA WITH LACTIC ACIDOSIS I; ATAXIA, INTERMITTENT, WITH ABNORMAL PYRUVATE METABOLISM; Ataxia, intermittent, with pyruvate dehydrogenase, or decarboxylase, deficiency. Identifiers: Orphanet 79243, MedGen C1839413, MONDO:0010717, OMIM 312170.

Submission:

Labcorp Genetics (formerly Invitae), Labcorp
Classification: Uncertain significance for Pyruvate dehydrogenase E1-alpha deficiency. Last evaluated: 2021-01-28. Review status: criteria provided, single submitter. Criteria: Invitae Variant Classification Sherloc (09022015). Collection method: clinical testing. Allele origin: germline.
Comment: In summary, the available evidence is currently insufficient to determine the role of this variant in disease. Therefore, it has been classified as a Variant of Uncertain Significance. Algorithms developed to predict the effect of missense changes on protein structure and function are either unavailable or do not agree on the potential impact of this missense change (SIFT: "Deleterious"; PolyPhen-2: "Probably Damaging"; Align-GVGD: "Class C0"). This variant has not been reported in the literature in individuals with PDHA1-related conditions. This variant is not present in population databases (ExAC no frequency). This sequence change replaces alanine with valine at codon 236 of the PDHA1 protein (p.Ala236Val). The alanine residue is highly conserved and there is a small physicochemical difference between alanine and valine.

NM_000284.4(PDHA1):c.707C>T (p.Ala236Val)

Gene: PDHA1 (pyruvate dehydrogenase E1 subunit alpha 1; plus strand). Cytogenetic location: Xp22.12.
Variant type: single nucleotide variant.
Coding change: c.707C>T on transcript NM_000284.4 (MANE Select); coding-DNA position 707, C replaced by T.
Protein change: p.Ala236Val; replaces alanine 236 with valine.
Molecular consequence: missense variant.
Genome position (GRCh38, 1-based): chrX:19,355,452, C>T. VCF-style: chrX-19355452-C-T. GRCh37 (hg19) VCF-style: chrX-19373570-C-T.
Other names: c.821C>T, p.Ala274Val (NM_001173454.2); c.728C>T, p.Ala243Val (NM_001173455.2); c.614C>T, p.Ala205Val (NM_001173456.2); short protein forms A243V, A274V, A205V, A236V.
Identifiers: ClinVar variation 664466 (VCV000664466.8), dbSNP rs863224145, ClinGen allele CA412394585.